The following is an entry in ClinVar:

NM_000321.3(RB1):c.861+1G>T

Gene: RB1 (RB transcriptional corepressor 1; plus strand). Cytogenetic location: 13q14.2.
Variant type: single nucleotide variant.
Coding change: c.861+1G>T on transcript NM_000321.3 (MANE Select); the canonical splice donor site of the intron after coding-DNA position 861, G replaced by T.
Molecular consequence: splice donor variant.
Genome position (GRCh38, 1-based): chr13:48,362,958, G>T. VCF-style: chr13-48362958-G-T. GRCh37 (hg19) VCF-style: chr13-48937094-G-T.
Other names: c.861+1G>T (NM_001407165.1, NM_001407166.1).
Identifiers: ClinVar variation 1331511 (VCV001331511.6), dbSNP rs2138112893, ClinGen allele CA388159725.

ClinVar aggregate classification (germline): Pathogenic. Review status: criteria provided, multiple submitters, no conflicts (2 of 4 stars). 2 submissions from 2 submitters: Pathogenic (2). Last evaluated 2024-10-09.

Conditions:
Retinoblastoma (RB1). Also called: RETINOBLASTOMA, SOMATIC. Identifiers: Orphanet 790, MedGen C0035335, MeSH D012175, MONDO:0008380, OMIM 180200, HP:0009919. Disease mechanism: loss of function. Inheritance: Both sporadic and heritable forms are tested..

Submissions (2):

Labcorp Genetics (formerly Invitae), Labcorp
Classification: Pathogenic for Retinoblastoma. Last evaluated: 2024-10-09. Review status: criteria provided, single submitter. Criteria: Invitae Variant Classification Sherloc (09022015). Collection method: clinical testing. Allele origin: germline.
Comment: This sequence change affects a donor splice site in intron 8 of the RB1 gene. It is expected to disrupt RNA splicing. Variants that disrupt the donor or acceptor splice site typically lead to a loss of protein function (PMID: 16199547), and loss-of-function variants in RB1 are known to be pathogenic (PMID: 17096365). This variant is not present in population databases (gnomAD no frequency). Disruption of this splice site has been observed in individual(s) with retinoblastoma (PMID: 19280657; internal data). ClinVar contains an entry for this variant (Variation ID: 1331511). Algorithms developed to predict the effect of sequence changes on RNA splicing suggest that this variant may disrupt the consensus splice site. For these reasons, this variant has been classified as Pathogenic.

Greenwood Genetic Center Diagnostic Laboratories, Greenwood Genetic Center
Classification: Pathogenic. Last evaluated: 2020-11-10. Review status: criteria provided, single submitter. Criteria: ACMG Guidelines, 2015. Collection method: clinical testing. Allele origin: germline. Affected: yes.
Comment: PVS1, PM2

Literature cited by the submitters: PubMed 16199547 (cited by Labcorp Genetics (formerly Invitae), Labcorp); PubMed 17096365 (cited by Labcorp Genetics (formerly Invitae), Labcorp); PubMed 19280657 (cited by Labcorp Genetics (formerly Invitae), Labcorp).